The following is an entry in ClinVar:

NM_006842.3(SF3B2):c.67C>T (p.His23Tyr)

Genes: SF3B2 (splicing factor 3b subunit 2; plus strand), LOC130006094 (ATAC-STARR-seq lymphoblastoid active region 5028; plus strand). Cytogenetic location: 11q13.1.
Variant type: single nucleotide variant.
Coding change: c.67C>T on transcript NM_006842.3 (MANE Select); coding-DNA position 67, C replaced by T.
Protein change: p.His23Tyr; replaces histidine 23 with tyrosine.
Molecular consequence: missense variant.
Genome position (GRCh38, 1-based): chr11:66,052,451, C>T. VCF-style: chr11-66052451-C-T. GRCh37 (hg19) VCF-style: chr11-65819922-C-T.
Other names: short protein forms H23Y.
Identifiers: ClinVar variation 4852699 (VCV004852699.2).

ClinVar aggregate classification (germline): Uncertain significance (1 of 4 stars; one submission).

gnomAD v4.1: 3 of 1,613,728 alleles (0.00019%); highest among the groups gnomAD compares: Non-Finnish European, 0.00025%; no homozygotes.

Submission:

Dasa
Classification: Uncertain significance. Last evaluated: 2025-04-12. Review status: criteria provided, single submitter. Criteria: DASA Assertion Criteria. Collection method: clinical testing. Allele origin: germline.
Comment: NM_006842.3(SF3B2):c.67C>T (p.His23Tyr) is a missense variant that results in the substitution of histidine with tyrosine. This variant is rare in population databases. Computational prediction algorithms are consistent with a benign effect. The currently available literature and clinical evidence are not sufficient to establish a definitive association between this variant and the reported condition. Therefore, this variant is classified as a variant of uncertain significance.